The following is an entry in ClinVar:

ClinVar aggregate classification (germline): Conflicting classifications of pathogenicity. Review status: criteria provided, conflicting classifications (1 of 4 stars). 5 submissions from 5 submitters: Uncertain significance (4); Likely benign (1). Last evaluated 2025-10-23.

Conditions:
Short stature-onychodysplasia-facial dysmorphism-hypotrichosis syndrome. Also called: Short stature, onychodysplasia, facial dysmorphism, and hypotrichosis; SOFT SYNDROME. Identifiers: Orphanet 314394, MedGen C3542022, MONDO:0013894, OMIM 614813.

Allele frequency attached by ClinVar (database versions not stated): TOPMed 0.00072; gnomAD exomes 0.00087 and 0.00189; gnomAD 0.00088 and 0.00093; ExAC 0.00093; ESP Exome Variant Server 0.00108.
gnomAD v4.1: 2,845 of 1,612,952 alleles (0.18%); highest among the groups gnomAD compares: Non-Finnish European, 0.23%; 7 homozygotes.

Submissions (5):

GeneDx
Classification: Uncertain significance. Last evaluated: 2025-10-23. Review status: criteria provided, single submitter. Criteria: GeneDx Variant Classification Process June 2021. Collection method: clinical testing. Allele origin: germline. Affected: yes.
Comment: Identified with a second variant in a patient with focal and segmental glomerulosclerosis, but additional clinical information was not included (PMID: 31308072); In silico analysis supports that this missense variant has a deleterious effect on protein structure/function; This variant is associated with the following publications: (PMID: 35885997, 31308072)

Blueprint Genetics
Classification: Likely benign. Last evaluated: 2024-11-19. Review status: criteria provided, single submitter. Criteria: ACMG Guidelines, 2015. Collection method: clinical testing. Allele origin: germline.

Fulgent Genetics
Classification: Uncertain significance for Short stature-onychodysplasia-facial dysmorphism-hypotrichosis syndrome. Last evaluated: 2024-02-07. Review status: criteria provided, single submitter. Criteria: ACMG Guidelines, 2015. Collection method: clinical testing. Allele origin: germline.

Labcorp Genetics (formerly Invitae), Labcorp
Classification: Uncertain significance. Last evaluated: 2022-08-19. Review status: criteria provided, single submitter. Criteria: Invitae Variant Classification Sherloc (09022015). Collection method: clinical testing. Allele origin: germline.
Comment: This sequence change replaces histidine, which is basic and polar, with tyrosine, which is neutral and polar, at codon 196 of the POC1A protein (p.His196Tyr). This variant is present in population databases (rs144052887, gnomAD 0.2%), and has an allele count higher than expected for a pathogenic variant. This variant has not been reported in the literature in individuals affected with POC1A-related conditions. ClinVar contains an entry for this variant (Variation ID: 1032692). Algorithms developed to predict the effect of missense changes on protein structure and function are either unavailable or do not agree on the potential impact of this missense change (SIFT: "Not Available"; PolyPhen-2: "Probably Damaging"; Align-GVGD: "Not Available"). In summary, the available evidence is currently insufficient to determine the role of this variant in disease. Therefore, it has been classified as a Variant of Uncertain Significance.

Baylor Genetics
Classification: Uncertain significance for Short stature-onychodysplasia-facial dysmorphism-hypotrichosis syndrome. Last evaluated: 2018-06-09. Review status: criteria provided, single submitter. Criteria: ACMG Guidelines, 2015. Collection method: clinical testing. Allele origin: paternal. Affected: yes.
Comment: This variant was determined to be of uncertain significance according to ACMG Guidelines, 2015 [PMID:25741868].

NM_015426.5(POC1A):c.586C>T (p.His196Tyr)

Gene: POC1A (POC1 centriolar protein A; minus strand). Cytogenetic location: 3p21.2.
Variant type: single nucleotide variant.
Coding change: c.586C>T on transcript NM_015426.5 (MANE Select); coding-DNA position 586, C replaced by T.
Protein change: p.His196Tyr; replaces histidine 196 with tyrosine.
Molecular consequence: missense variant.
Genome position (GRCh38, 1-based): chr3:52,145,939, G>A on the plus strand (C>T on the coding strand, the complement: POC1A is on the minus strand). VCF-style: chr3-52145939-G-A. GRCh37 (hg19) VCF-style: chr3-52179955-G-A.
Other names: c.586C>T, p.His196Tyr (NM_001161580.2); c.472C>T, p.His158Tyr (NM_001161581.2); short protein forms H158Y, H196Y.
Identifiers: ClinVar variation 1032692 (VCV001032692.9), dbSNP rs144052887, ClinGen allele CA2429568.
Genomic context (GRCh38, chr3:52,145,939, plus strand): 5'-CGTCCCACACCTTCACTGTGTTGTCCATGCCGGCAGCGGCAATGCACGTCCCACTGGGGT[G>A]GAAGTCCACATAGGTGACAAAGCTGGAAAGACAGGGGCCACTATGCACTATAGGAGGTCT-3'
Protein context (NP_056241.3, residues 186-206): HGGFVTYVDF[His196Tyr]PSGTCIAAAG